The following is an entry in ClinVar:

ClinVar aggregate classification (germline): Uncertain significance (1 of 4 stars; one submission).

Conditions:
Deficiency of isobutyryl-CoA dehydrogenase. Also called: ACYL-CoA DEHYDROGENASE FAMILY, MEMBER 8, DEFICIENCY OF; ACAD8 DEFICIENCY; IBD DEFICIENCY. Identifiers: Orphanet 79159, MedGen C1969809, MONDO:0012648, OMIM 611283.

Submission:

Labcorp Genetics (formerly Invitae), Labcorp
Classification: Uncertain significance for Deficiency of isobutyryl-CoA dehydrogenase. Last evaluated: 2025-11-21. Review status: criteria provided, single submitter. Criteria: Invitae Variant Classification Sherloc (09022015). Collection method: clinical testing. Allele origin: germline.
Comment: This sequence change replaces serine, which is neutral and polar, with proline, which is neutral and non-polar, at codon 352 of the ACAD8 protein (p.Ser352Pro). This variant is not present in population databases (gnomAD no frequency). This variant has not been reported in the literature in individuals affected with ACAD8-related conditions. Invitae Evidence Modeling of protein sequence and biophysical properties (such as structural, functional, and spatial information, amino acid conservation, physicochemical variation, residue mobility, and thermodynamic stability) has been performed for this missense variant. However, the output from this modeling did not meet the statistical confidence thresholds required to predict the impact of this variant on ACAD8 protein function. In summary, the available evidence is currently insufficient to determine the role of this variant in disease. Therefore, it has been classified as a Variant of Uncertain Significance.

NM_014384.3(ACAD8):c.1054T>C (p.Ser352Pro)

Gene: ACAD8 (acyl-CoA dehydrogenase family member 8; plus strand). Cytogenetic location: 11q25.
Variant type: single nucleotide variant.
Coding change: c.1054T>C on transcript NM_014384.3 (MANE Select); coding-DNA position 1054, T replaced by C.
Protein change: p.Ser352Pro; replaces serine 352 with proline.
Molecular consequence: missense variant.
Genome position (GRCh38, 1-based): chr11:134,261,852, T>C. VCF-style: chr11-134261852-T-C. GRCh37 (hg19) VCF-style: chr11-134131746-T-C.
Other names: c.1054T>C, p.Ser352Pro (NM_001441136.1); c.760T>C, p.Ser254Pro (NM_001441138.1); short protein forms S352P, S254P.
Identifiers: ClinVar variation 4769207 (VCV004769207.1).